The following is an entry in ClinVar:

NM_001364857.2(ADGRB2):c.3353+6G>A

Gene: ADGRB2 (adhesion G protein-coupled receptor B2; minus strand). Cytogenetic location: 1p35.2.
Variant type: single nucleotide variant.
Coding change: c.3353+6G>A on transcript NM_001364857.2 (MANE Select); 6 bases into the intron after coding-DNA position 3353, G replaced by A.
Molecular consequence: intron variant.
Genome position (GRCh38, 1-based): chr1:31,735,574, C>T on the plus strand (G>A on the coding strand, the complement: ADGRB2 is on the minus strand). VCF-style: chr1-31735574-C-T. GRCh37 (hg19) VCF-style: chr1-32201175-C-T.
Other names: c.3353+6G>A (NM_001294336.2, NM_001294335.2).
Identifiers: ClinVar variation 2973166 (VCV002973166.3), dbSNP rs12409382, ClinGen allele CA2472616910.
Genomic context (GRCh38, chr1:31,735,574, plus strand): 5'-GCACCCATGTCCCTCCCTCCCTGCACCATTTCCAGAAAGGCCAAGTCTCAGAGGCCCCCC[C>T]CTTACCCGGCCCTCTGCTTCTTGGATTTGTCGGAGATGCCATCACGTGCCATGAGCTTGT-3'

ClinVar aggregate classification (germline): Uncertain significance (1 of 4 stars; one submission).

gnomAD v4.1: 3 of 1,613,762 alleles (0.00019%); highest among the groups gnomAD compares: East Asian, 0.0022%; no homozygotes.

Submission:

Labcorp Genetics (formerly Invitae), Labcorp
Classification: Uncertain significance. Last evaluated: 2022-11-04. Review status: criteria provided, single submitter. Criteria: Invitae Variant Classification Sherloc (09022015). Collection method: clinical testing. Allele origin: germline.
Comment: In summary, the available evidence is currently insufficient to determine the role of this variant in disease. Therefore, it has been classified as a Variant of Uncertain Significance. Variants that disrupt the consensus splice site are a relatively common cause of aberrant splicing (PMID: 17576681, 9536098). Algorithms developed to predict the effect of sequence changes on RNA splicing suggest that this variant is not likely to affect RNA splicing. This variant has not been reported in the literature in individuals affected with ADGRB2-related conditions. This variant is not present in population databases (gnomAD no frequency). This sequence change falls in intron 24 of the ADGRB2 gene. It does not directly change the encoded amino acid sequence of the ADGRB2 protein. It affects a nucleotide within the consensus splice site.

Literature cited by the submitters: PubMed 17576681; PubMed 9536098.